The following is an entry in ClinVar:

ClinVar aggregate classification (germline): Uncertain significance (1 of 4 stars; one submission).

Conditions:
PTPRQ-related disorder. Also called: PTPRQ-related condition.

Allele frequency attached by ClinVar (database versions not stated): gnomAD exomes 0.00001; gnomAD 0.00011; TOPMed 0.00012.
gnomAD v4.1: 26 of 1,545,212 alleles (0.0017%); highest among the groups gnomAD compares: African/African-American, 0.033%; no homozygotes.

Submission:

PreventionGenetics, part of Exact Sciences
Classification: Uncertain significance for PTPRQ-related condition. Last evaluated: 2023-05-31. Review status: criteria provided, single submitter. Criteria: ACMG Guidelines, 2015. Collection method: clinical testing. Allele origin: germline.
Comment: The PTPRQ c.2939A>C variant is predicted to result in the amino acid substitution p.Gln980Pro. This variant along with a second potentially pathogenic PTRPQ variant has been reported in a patient with childhood onset mild to moderate hearing (Table S3, Sloan-Heggen. 2016. PubMed ID: 26969326). This variant is reported in 0.043% of alleles in individuals of African descent in gnomAD. At this time, the clinical significance of this variant is uncertain due to the absence of conclusive functional and genetic evidence.

NM_001145026.2(PTPRQ):c.2939A>C (p.Gln980Pro)

Gene: PTPRQ (protein tyrosine phosphatase receptor type Q; plus strand). Cytogenetic location: 12q21.31.
Variant type: single nucleotide variant.
Coding change: c.2939A>C on transcript NM_001145026.2 (MANE Select); coding-DNA position 2939, A replaced by C.
Protein change: p.Gln980Pro; replaces glutamine 980 with proline.
Molecular consequence: missense variant.
Genome position (GRCh38, 1-based): chr12:80,534,991, A>C. VCF-style: chr12-80534991-A-C. GRCh37 (hg19) VCF-style: chr12-80928770-A-C.
Other names: short protein forms Q980P.
Identifiers: ClinVar variation 2635725 (VCV002635725.1), dbSNP rs866847083, ClinGen allele CA240250521.